The following is an entry in ClinVar:

NM_005188.4(CBL):c.1872G>T (p.Leu624Phe)

Gene: CBL (Cbl proto-oncogene; plus strand). Cytogenetic location: 11q23.3.
Variant type: single nucleotide variant.
Coding change: c.1872G>T on transcript NM_005188.4 (MANE Select); coding-DNA position 1872, G replaced by T.
Protein change: p.Leu624Phe; replaces leucine 624 with phenylalanine.
Molecular consequence: missense variant.
Genome position (GRCh38, 1-based): chr11:119,285,497, G>T. VCF-style: chr11-119285497-G-T. GRCh37 (hg19) VCF-style: chr11-119156207-G-T.
Other names: c.1872G>T (NM_005188.2); short protein forms L624F.
Identifiers: ClinVar variation 2915392 (VCV002915392.5), dbSNP rs971746773, ClinGen allele CA229642503.

ClinVar aggregate classification (germline): Conflicting classifications of pathogenicity. Review status: criteria provided, conflicting classifications (1 of 4 stars). 2 submissions from 2 submitters: Uncertain significance (1); Likely benign (1). Last evaluated 2026-06-24.

Conditions:
RASopathy. Also called: rasopathies; Noonan spectrum disorder. Identifiers: Orphanet 536391, MedGen C5555857, MONDO:0021060.
Cardiovascular phenotype. Identifiers: MedGen CN230736.

Allele frequency attached by ClinVar (database versions not stated): TOPMed 0.00001.
gnomAD v4.1: 3 of 1,614,080 alleles (0.00019%); highest among the groups gnomAD compares: Admixed American, 0.0017%; no homozygotes.

Submissions (2):

Ambry Genetics
Classification: Uncertain significance for Cardiovascular phenotype. Last evaluated: 2026-06-24. Review status: criteria provided, single submitter. Criteria: Ambry Variant Classification Scheme 2023. Collection method: clinical testing. Allele origin: germline.
Comment: The p.L624F variant (also known as c.1872G>T), located in coding exon 11 of the CBL gene, results from a G to T substitution at nucleotide position 1872. The leucine at codon 624 is replaced by phenylalanine, an amino acid with highly similar properties. This amino acid position is conserved. In addition, the in silico prediction for this alteration is inconclusive. Based on the available evidence, the clinical significance of this variant remains unclear.

Labcorp Genetics (formerly Invitae), Labcorp
Classification: Likely benign for RASopathy. Last evaluated: 2025-09-25. Review status: criteria provided, single submitter. Criteria: Invitae Variant Classification Sherloc (09022015). Collection method: clinical testing. Allele origin: germline.